The following is an entry in ClinVar:

ClinVar aggregate classification (germline): Uncertain significance (1 of 4 stars; one submission).

Conditions:
Baller-Gerold syndrome (BGS). Also called: CRANIOSYNOSTOSIS WITH RADIAL DEFECTS. Identifiers: Orphanet 1225, MedGen C0265308, MONDO:0009039, OMIM 218600.

Submission:

Labcorp Genetics (formerly Invitae), Labcorp
Classification: Uncertain significance for Baller-Gerold syndrome. Last evaluated: 2020-11-25. Review status: criteria provided, single submitter. Criteria: Invitae Variant Classification Sherloc (09022015). Collection method: clinical testing. Allele origin: germline.
Comment: This variant has not been reported in the literature in individuals with RECQL4-related conditions. This variant is not present in population databases (ExAC no frequency). This sequence change replaces proline with histidine at codon 188 of the RECQL4 protein (p.Pro188His). The proline residue is highly conserved and there is a moderate physicochemical difference between proline and histidine. Experimental studies and prediction algorithms are not available or were not evaluated, and the functional significance of this variant is currently unknown. In summary, the available evidence is currently insufficient to determine the role of this variant in disease. Therefore, it has been classified as a Variant of Uncertain Significance.

NM_004260.4(RECQL4):c.563C>A (p.Pro188His)

Gene: RECQL4 (RecQ like helicase 4; minus strand). Cytogenetic location: 8q24.3.
Variant type: single nucleotide variant.
Coding change: c.563C>A on transcript NM_004260.4 (MANE Select); coding-DNA position 563, C replaced by A.
Protein change: p.Pro188His; replaces proline 188 with histidine.
Molecular consequence: missense variant.
Genome position (GRCh38, 1-based): chr8:144,516,556, G>T on the plus strand (C>A on the coding strand, the complement: RECQL4 is on the minus strand). VCF-style: chr8-144516556-G-T. GRCh37 (hg19) VCF-style: chr8-145741940-G-T.
Other names: short protein forms P188H.
Identifiers: ClinVar variation 1351163 (VCV001351163.6), dbSNP rs773241386, ClinGen allele CA372691018.